The following is an entry in ClinVar:

ClinVar aggregate classification (germline): Uncertain significance (1 of 4 stars; one submission).

Conditions:
Catecholaminergic polymorphic ventricular tachycardia 1. Also called: VENTRICULAR TACHYCARDIA, STRESS-INDUCED POLYMORPHIC 1; VENTRICULAR TACHYCARDIA, CATECHOLAMINERGIC POLYMORPHIC, 1, WITH OR WITHOUT ATRIAL DYSFUNCTION AND/OR DILATED CARDIOMYOPATHY; RYR2-Related Catecholaminergic Polymorphic Ventricular Tachycardia. Identifiers: Orphanet 3286, MedGen C1631597, MONDO:0011484, OMIM 604772.

Submission:

Labcorp Genetics (formerly Invitae), Labcorp
Classification: Uncertain significance for Catecholaminergic polymorphic ventricular tachycardia 1. Last evaluated: 2020-09-30. Review status: criteria provided, single submitter. Criteria: Invitae Variant Classification Sherloc (09022015). Collection method: clinical testing. Allele origin: germline.
Comment: In summary, this variant has uncertain impact on RYR2 function. The available evidence is currently insufficient to determine its role in disease. Therefore, it has been classified as a Variant of Uncertain Significance. Algorithms developed to predict the effect of missense changes on protein structure and function (SIFT, PolyPhen-2, Align-GVGD) all suggest that this variant is likely to be disruptive, but these predictions have not been confirmed by published functional studies and their clinical significance is uncertain. This variant has not been reported in the literature in individuals with a RYR2-related disease. This variant is not present in population databases (ExAC no frequency). This sequence change replaces leucine with serine at codon 2502 of the RYR2 protein (p.Leu2502Ser). The leucine residue is highly conserved and there is a large physicochemical difference between leucine and serine.

NM_001035.3(RYR2):c.7505T>C (p.Leu2502Ser)

Gene: RYR2 (ryanodine receptor 2; plus strand). Cytogenetic location: 1q43.
Variant type: single nucleotide variant.
Coding change: c.7505T>C on transcript NM_001035.3 (MANE Select); coding-DNA position 7505, T replaced by C.
Protein change: p.Leu2502Ser; replaces leucine 2502 with serine.
Molecular consequence: missense variant.
Genome position (GRCh38, 1-based): chr1:237,648,606, T>C. VCF-style: chr1-237648606-T-C. GRCh37 (hg19) VCF-style: chr1-237811906-T-C.
Other names: c.7505T>C, p.Leu2502Ser (LRG_402t1); short protein forms L2502S.
Identifiers: ClinVar variation 463636 (VCV000463636.10), dbSNP rs1553267788, ClinGen allele CA345398758.